The following is an entry in ClinVar:

NM_001082971.2(DDC):c.1021+122C>A

Gene: DDC (dopa decarboxylase; minus strand). Cytogenetic location: 7p12.2.
Variant type: single nucleotide variant.
Coding change: c.1021+122C>A on transcript NM_001082971.2 (MANE Select); 122 bases into the intron after coding-DNA position 1021, C replaced by A.
Molecular consequence: intron variant.
Genome position (GRCh38, 1-based): chr7:50,479,665, G>T on the plus strand (C>A on the coding strand, the complement: DDC is on the minus strand). VCF-style: chr7-50479665-G-T. GRCh37 (hg19) VCF-style: chr7-50547363-G-T.
Other names: c.787+122C>A (NM_001242888.2); c.907+122C>A (NM_001242886.2); c.742+122C>A (NM_001242889.2); c.877+122C>A (NM_001242887.2); c.1021+122C>A (NM_000790.4).
Identifiers: ClinVar variation 1678662 (VCV001678662.2), dbSNP rs115760747, ClinGen allele CA158226373.

ClinVar aggregate classification (germline): Likely benign (1 of 4 stars; one submission).

Allele frequency attached by ClinVar (database versions not stated): 1000 Genomes Project 0.00399; 1000 Genomes Project 30x 0.00406.
gnomAD v4.1: 888 of 898,196 alleles (0.099%); highest among the groups gnomAD compares: African/African-American, 1.3%; 9 homozygotes.

Submission:

GeneDx
Classification: Likely benign. Last evaluated: 2021-05-26. Review status: criteria provided, single submitter. Criteria: GeneDx Variant Classification Process June 2021. Collection method: clinical testing. Allele origin: germline. Affected: yes.
Comment: See Variant Classification Assertion Criteria.